The following is an entry in ClinVar:

NM_001267550.2(TTN):c.107680+1G>A

Genes: TTN-AS1 (TTN antisense RNA 1; plus strand), TTN (titin; minus strand). Cytogenetic location: 2q31.2.
Variant type: single nucleotide variant.
Coding change: c.107680+1G>A on transcript NM_001267550.2 (MANE Select); the canonical splice donor site of the intron after coding-DNA position 107680, G replaced by A.
Molecular consequence: splice donor variant.
Genome position (GRCh38, 1-based): chr2:178,527,445, C>T on the plus strand (G>A on the coding strand, the complement: TTN is on the minus strand). VCF-style: chr2-178527445-C-T. GRCh37 (hg19) VCF-style: chr2-179392172-C-T.
Other names: c.80485+1G>A (NM_003319.4); c.81061+1G>A (NM_133437.4); c.80860+1G>A (NM_133432.3); c.99976+1G>A (NM_133378.4); c.102757+1G>A (NM_001256850.1).
Identifiers: ClinVar variation 3750141 (VCV003750141.2).

ClinVar aggregate classification (germline): Likely pathogenic (1 of 4 stars; one submission).

Conditions:
Autosomal recessive limb-girdle muscular dystrophy type 2J (LGMDR10). Also called: Limb-girdle muscular dystrophy, type 2J; MUSCULAR DYSTROPHY, LIMB-GIRDLE, AUTOSOMAL RECESSIVE 10. Identifiers: Orphanet 140922, MedGen C1837342, MONDO:0012127, OMIM 608807.
Dilated cardiomyopathy 1G (CMD1G). Identifiers: Orphanet 154, MedGen C1858763, MONDO:0011400, OMIM 604145.

Submission:

Labcorp Genetics (formerly Invitae), Labcorp
Classification: Likely pathogenic for Dilated cardiomyopathy 1G; Autosomal recessive limb-girdle muscular dystrophy type 2J. Last evaluated: 2024-08-10. Review status: criteria provided, single submitter. Criteria: Invitae Variant Classification Sherloc (09022015). Collection method: clinical testing. Allele origin: germline.
Comment: This sequence change affects a donor splice site in intron 362 of the TTN gene. It is expected to disrupt RNA splicing and likely results in a truncated or disrupted TTN protein. This variant is not present in population databases (gnomAD no frequency). This variant has not been reported in the literature in individuals affected with TTN-related conditions. This variant is located in the M band of TTN (PMID: 25589632). Truncating variants in this region have been previously reported in individuals affected with autosomal recessive myopathy and muscular dystrophy (PMID: 18948003, 23975875, 24395473). Truncating variants in this region have also been identified in individuals affected with autosomal dominant dilated cardiomyopathy and/or cardio-related conditions (PMID: 27869827, 32964742, Invitae internal data). Algorithms developed to predict the effect of sequence changes on RNA splicing suggest that this variant may disrupt the consensus splice site. In summary, the currently available evidence indicates that the variant is pathogenic, but additional data are needed to prove that conclusively. Therefore, this variant has been classified as Likely Pathogenic.

Literature cited by the submitters: PubMed 25589632; PubMed 18948003; PubMed 23975875; PubMed 24395473; PubMed 27869827; PubMed 32964742.